The following is an entry in ClinVar:

NM_006790.3(MYOT):c.983G>A (p.Arg328Lys)

Genes: MYOT (myotilin; plus strand), PKD2L2-DT (PKD2L2 divergent transcript; minus strand). Cytogenetic location: 5q31.2.
Variant type: single nucleotide variant.
Coding change: c.983G>A on transcript NM_006790.3 (MANE Select); coding-DNA position 983, G replaced by A.
Protein change: p.Arg328Lys; replaces arginine 328 with lysine.
Molecular consequence: missense variant.
Genome position (GRCh38, 1-based): chr5:137,883,550, G>A. VCF-style: chr5-137883550-G-A. GRCh37 (hg19) VCF-style: chr5-137219239-G-A.
Other names: c.431G>A, p.Arg144Lys (NM_001135940.2); c.638G>A, p.Arg213Lys (NM_001300911.2); short protein forms R328K, R144K, R213K.
Identifiers: ClinVar variation 2198603 (VCV002198603.4), dbSNP rs1561664234, ClinGen allele CA361055863.
Genomic context (GRCh38, chr5:137,883,550, plus strand): 5'-TCATCTTTGAAGTAGTCAGAGCTTCAGATGCAGGGGCTTATGCATGTGTTGCCAAGAATA[G>A]AGCAGGAGAAGCCACCTTCACTGTGCAGCTGGATGTCCTTGGTAAGCCTCCAAAGAGACC-3'
Protein context (NP_006781.1, residues 318-338): AGAYACVAKN[Arg328Lys]AGEATFTVQL

ClinVar aggregate classification (germline): Uncertain significance (1 of 4 stars; one submission).

Conditions:
Myofibrillar myopathy 3 (MFM3). Also called: Autosomal dominant spheroid body myopathy; Muscular dystrophy, proximal, type 1A. Identifiers: Orphanet 266, Orphanet 268129, MedGen C3714934, MONDO:0012215, OMIM 609200.

Allele frequency attached by ClinVar (database versions not stated): gnomAD exomes below 0.00001.
gnomAD v4.1: 7 of 1,614,142 alleles (0.00043%); highest among the groups gnomAD compares: Non-Finnish European, 0.00059%; no homozygotes.

Submission:

Labcorp Genetics (formerly Invitae), Labcorp
Classification: Uncertain significance for Myofibrillar myopathy 3. Last evaluated: 2022-06-25. Review status: criteria provided, single submitter. Criteria: Invitae Variant Classification Sherloc (09022015). Collection method: clinical testing. Allele origin: germline.
Comment: In summary, the available evidence is currently insufficient to determine the role of this variant in disease. Therefore, it has been classified as a Variant of Uncertain Significance. Algorithms developed to predict the effect of missense changes on protein structure and function are either unavailable or do not agree on the potential impact of this missense change (SIFT: "Tolerated"; PolyPhen-2: "Probably Damaging"; Align-GVGD: "Class C0"). This variant has not been reported in the literature in individuals affected with MYOT-related conditions. This variant is not present in population databases (gnomAD no frequency). This sequence change replaces arginine, which is basic and polar, with lysine, which is basic and polar, at codon 328 of the MYOT protein (p.Arg328Lys).